The following is an entry in ClinVar:

ClinVar aggregate classification (germline): Uncertain significance (1 of 4 stars; one submission).

Conditions:
Retinoblastoma (RB1). Also called: RETINOBLASTOMA, SOMATIC. Identifiers: Orphanet 790, MedGen C0035335, MeSH D012175, MONDO:0008380, OMIM 180200, HP:0009919. Disease mechanism: loss of function. Inheritance: Both sporadic and heritable forms are tested..

Submission:

Labcorp Genetics (formerly Invitae), Labcorp
Classification: Uncertain significance for Retinoblastoma. Last evaluated: 2023-07-07. Review status: criteria provided, single submitter. Criteria: Invitae Variant Classification Sherloc (09022015). Collection method: clinical testing. Allele origin: germline.
Comment: In summary, the available evidence is currently insufficient to determine the role of this variant in disease. Therefore, it has been classified as a Variant of Uncertain Significance. Advanced modeling of protein sequence and biophysical properties (such as structural, functional, and spatial information, amino acid conservation, physicochemical variation, residue mobility, and thermodynamic stability) performed at Invitae indicates that this missense variant is not expected to disrupt RB1 protein function. ClinVar contains an entry for this variant (Variation ID: 2133912). This variant has not been reported in the literature in individuals affected with RB1-related conditions. This variant is not present in population databases (gnomAD no frequency). This sequence change replaces valine, which is neutral and non-polar, with glycine, which is neutral and non-polar, at codon 754 of the RB1 protein (p.Val754Gly).

NM_000321.3(RB1):c.2261T>G (p.Val754Gly)

Gene: RB1 (RB transcriptional corepressor 1; plus strand). Cytogenetic location: 13q14.2.
Variant type: single nucleotide variant.
Coding change: c.2261T>G on transcript NM_000321.3 (MANE Select); coding-DNA position 2261, T replaced by G.
Protein change: p.Val754Gly; replaces valine 754 with glycine.
Molecular consequence: missense variant.
Genome position (GRCh38, 1-based): chr13:48,465,047, T>G. VCF-style: chr13-48465047-T-G. GRCh37 (hg19) VCF-style: chr13-49039183-T-G.
Other names: c.2261T>G, p.Val754Gly (NM_001407165.1); short protein forms V754G.
Identifiers: ClinVar variation 2133912 (VCV002133912.4), dbSNP rs2138344743, ClinGen allele CA388167591.